The following is an entry in ClinVar:

NM_001283009.2(RTEL1):c.2400G>T (p.Lys800Asn)

Genes: RTEL1 (regulator of telomere elongation helicase 1; plus strand), RTEL1-TNFRSF6B (RTEL1-TNFRSF6B readthrough (NMD candidate); plus strand). Cytogenetic location: 20q13.33.
Variant type: single nucleotide variant.
Coding change: c.2400G>T on transcript NM_001283009.2 (MANE Select); coding-DNA position 2400, G replaced by T.
Protein change: p.Lys800Asn; replaces lysine 800 with asparagine.
Molecular consequence: missense variant. On other transcripts: non-coding transcript variant (1).
Genome position (GRCh38, 1-based): chr20:63,690,428, G>T. VCF-style: chr20-63690428-G-T. GRCh37 (hg19) VCF-style: chr20-62321781-G-T.
Other names: c.1731G>T, p.Lys577Asn (NM_001283010.1); c.2400G>T, p.Lys800Asn (NM_016434.4); c.2472G>T, p.Lys824Asn (NM_032957.5); short protein forms K824N, K577N, K800N.
Identifiers: ClinVar variation 5028522 (VCV005028522.1).

ClinVar aggregate classification (germline): Uncertain significance (1 of 4 stars; one submission).

Conditions:
Inborn genetic diseases. Identifiers: MedGen C0950123, MeSH D030342.

Submission:

Ambry Genetics
Classification: Uncertain significance for Inborn genetic diseases. Last evaluated: 2026-08-24. Review status: criteria provided, single submitter. Criteria: Ambry Variant Classification Scheme 2023. Collection method: clinical testing. Allele origin: germline.
Comment: The p.K800N variant (also known as c.2400G>T), located in coding exon 25 of the RTEL1 gene, results from a G to T substitution at nucleotide position 2400. The lysine at codon 800 is replaced by asparagine, an amino acid with similar properties. This amino acid position is conserved. In addition, this alteration is predicted to be tolerated by in silico analysis. Based on the available evidence, the clinical significance of this variant remains unclear.